The following is an entry in ClinVar:

ClinVar aggregate classification (germline): Uncertain significance (1 of 4 stars; one submission).

Submission:

Ambry Genetics
Classification: Uncertain significance. Last evaluated: 2022-07-19. Review status: criteria provided, single submitter. Criteria: Ambry Variant Classification Scheme 2023. Collection method: clinical testing. Allele origin: germline.
Comment: The p.L60V variant (also known as c.178C>G), located in coding exon 1 of the BUB3 gene, results from a C to G substitution at nucleotide position 178. The leucine at codon 60 is replaced by valine, an amino acid with highly similar properties. This amino acid position is conserved. In addition, the in silico prediction for this alteration is inconclusive. Since supporting evidence is limited at this time, the clinical significance of this alteration remains unclear.

NM_004725.4(BUB3):c.178C>G (p.Leu60Val)

Gene: BUB3 (BUB3 mitotic checkpoint protein; plus strand). Cytogenetic location: 10q26.13.
Variant type: single nucleotide variant.
Coding change: c.178C>G on transcript NM_004725.4 (MANE Select); coding-DNA position 178, C replaced by G.
Protein change: p.Leu60Val; replaces leucine 60 with valine.
Molecular consequence: missense variant.
Genome position (GRCh38, 1-based): chr10:123,155,095, C>G. VCF-style: chr10-123155095-C-G. GRCh37 (hg19) VCF-style: chr10-124914611-C-G.
Other names: c.178C>G, p.Leu60Val (NM_001007793.3); short protein forms L60V.
Identifiers: ClinVar variation 1780165 (VCV001780165.2), dbSNP rs772570812, ClinGen allele CA378625099.